The following is an entry in ClinVar:

ClinVar aggregate classification (germline): Likely benign. Review status: criteria provided, multiple submitters, no conflicts (2 of 4 stars). 5 submissions from 4 submitters: Likely benign (5). Last evaluated 2025-11-17.

Conditions:
Developmental and epileptic encephalopathy, 14 (DEE14). Also called: Early infantile epileptic encephalopathy 14. Identifiers: Orphanet 293181, MedGen C3554195, MONDO:0013989, OMIM 614959.
Autosomal dominant nocturnal frontal lobe epilepsy 5. Also called: KCNT1-Related Epilepsy; CILIARY DYSKINESIA, PRIMARY, 28, WITHOUT SITUS INVERSUS; CILIARY DYSKINESIA, PRIMARY, 28, WITH SITUS INVERSUS; Epilepsy, nocturnal frontal lobe, 5. Identifiers: Orphanet 98784, MedGen C3554306, MONDO:0014002, OMIM 615005.

Allele frequency attached by ClinVar (database versions not stated): ExAC 0.00002; gnomAD 0.00002; gnomAD exomes 0.00002; TOPMed 0.00002; ESP Exome Variant Server 0.00008.

Submissions (5):

Women's Health and Genetics/Laboratory Corporation of America, LabCorp
Classification: Likely benign. Last evaluated: 2025-11-17. Review status: criteria provided, single submitter. Criteria: LabCorp Variant Classification Summary - May 2015. Collection method: clinical testing. Allele origin: germline.

Labcorp Genetics (formerly Invitae), Labcorp
Classification: Likely benign for Autosomal dominant nocturnal frontal lobe epilepsy 5; Developmental and epileptic encephalopathy, 14. Last evaluated: 2024-07-18. Review status: criteria provided, single submitter. Criteria: Invitae Variant Classification Sherloc (09022015). Collection method: clinical testing. Allele origin: germline.

Genome-Nilou Lab
Classification: Likely benign for Developmental and epileptic encephalopathy, 14. Last evaluated: 2022-03-15. Review status: criteria provided, single submitter. Criteria: ACMG Guidelines, 2015. Collection method: clinical testing. Allele origin: germline. Affected: no.

Genome-Nilou Lab
Classification: Likely benign for Autosomal dominant nocturnal frontal lobe epilepsy 5. Last evaluated: 2022-03-15. Review status: criteria provided, single submitter. Criteria: ACMG Guidelines, 2015. Collection method: clinical testing. Allele origin: germline. Affected: no.

GeneDx
Classification: Likely benign. Last evaluated: 2016-04-07. Review status: criteria provided, single submitter. Criteria: GeneDx Variant Classification (06012015). Collection method: clinical testing. Allele origin: germline. Affected: yes.
Comment: This variant is considered likely benign or benign based on one or more of the following criteria: it is a conservative change, it occurs at a poorly conserved position in the protein, it is predicted to be benign by multiple in silico algorithms, and/or has population frequency not consistent with disease.

NM_020822.3(KCNT1):c.2349+20C>T

Gene: KCNT1 (potassium sodium-activated channel subfamily T member 1; plus strand). Cytogenetic location: 9q34.3.
Variant type: single nucleotide variant.
Coding change: c.2349+20C>T on transcript NM_020822.3 (MANE Select); 20 bases into the intron after coding-DNA position 2349, C replaced by T.
Molecular consequence: intron variant.
Genome position (GRCh38, 1-based): chr9:135,775,435, C>T. VCF-style: chr9-135775435-C-T. GRCh37 (hg19) VCF-style: chr9-138667281-C-T.
Other names: c.2214+20C>T (NM_001272003.2).
Identifiers: ClinVar variation 385205 (VCV000385205.11), dbSNP rs375666062, ClinGen allele CA5327268.
Genomic context (GRCh38, chr9:135,775,435, plus strand): 5'-TGCCTGTGAAAGCCCCCTTCTGCTGCCTGCGGCTGGACAAGGTAAGGCTGGCGGCTCTGC[C>T]GCGCTCTGCACCCCCAGACGCCAGCACCGGGCCGTGCATACCTGCCCTGGTTTCTCTTTG-3'